The following is an entry in ClinVar:

NM_000245.4(MET):c.1577G>A (p.Cys526Tyr)

Gene: MET (MET proto-oncogene, receptor tyrosine kinase; plus strand). Cytogenetic location: 7q31.2.
Variant type: single nucleotide variant.
Coding change: c.1577G>A on transcript NM_000245.4 (MANE Select); coding-DNA position 1577, G replaced by A.
Protein change: p.Cys526Tyr; replaces cysteine 526 with tyrosine.
Molecular consequence: missense variant.
Genome position (GRCh38, 1-based): chr7:116,740,901, G>A. VCF-style: chr7-116740901-G-A. GRCh37 (hg19) VCF-style: chr7-116380955-G-A.
Other names: c.1577G>A, p.Cys526Tyr (NM_001127500.3, NM_001324401.3); c.287G>A, p.Cys96Tyr (NM_001324402.2); short protein forms C526Y, C96Y.
Identifiers: ClinVar variation 819575 (VCV000819575.5), dbSNP rs1584923176, ClinGen allele CA368975245.
Genomic context (GRCh38, chr7:116,740,901, plus strand): 5'-TCTCTTCACAGATCACGAAGATCCCATTGAATGGCTTGGGCTGCAGACATTTCCAGTCCT[G>A]CAGTCAATGCCTCTCTGCCCCACCCTTTGTTCAGTGTGGCTGGTGCCACGACAAATGTGT-3'
Protein context (NP_000236.2, residues 516-536): NGLGCRHFQS[Cys526Tyr]SQCLSAPPFV

ClinVar aggregate classification (germline): Uncertain significance. Review status: criteria provided, multiple submitters, no conflicts (2 of 4 stars). 2 submissions from 2 submitters: Uncertain significance (2). Last evaluated 2025-03-19.

Conditions:
Hereditary cancer-predisposing syndrome. Also called: Neoplastic Syndromes, Hereditary; Tumor predisposition; Hereditary Cancer Syndrome; Hereditary neoplastic syndrome. Identifiers: Orphanet 140162, MedGen C0027672, MeSH D009386, MONDO:0015356.
Renal cell carcinoma. Identifiers: Orphanet 217071, MedGen C0007134, MeSH D002292, MONDO:0005086, HP:0005584.

Submissions (2):

Labcorp Genetics (formerly Invitae), Labcorp
Classification: Uncertain significance for Renal cell carcinoma. Last evaluated: 2025-03-19. Review status: criteria provided, single submitter. Criteria: Invitae Variant Classification Sherloc (09022015). Collection method: clinical testing. Allele origin: germline.
Comment: This sequence change replaces cysteine, which is neutral and slightly polar, with tyrosine, which is neutral and polar, at codon 526 of the MET protein (p.Cys526Tyr). This variant is not present in population databases (gnomAD no frequency). This variant has not been reported in the literature in individuals affected with MET-related conditions. ClinVar contains an entry for this variant (Variation ID: 819575). Invitae Evidence Modeling of protein sequence and biophysical properties (such as structural, functional, and spatial information, amino acid conservation, physicochemical variation, residue mobility, and thermodynamic stability) indicates that this missense variant is expected to disrupt MET protein function with a positive predictive value of 80%. In summary, the available evidence is currently insufficient to determine the role of this variant in disease. Therefore, it has been classified as a Variant of Uncertain Significance.

Ambry Genetics
Classification: Uncertain significance for Hereditary cancer-predisposing syndrome. Last evaluated: 2018-02-26. Review status: criteria provided, single submitter. Criteria: Ambry Variant Classification Scheme 2023. Collection method: clinical testing. Allele origin: germline.
Comment: The p.C526Y variant (also known as c.1577G>A), located in coding exon 4 of the MET gene, results from a G to A substitution at nucleotide position 1577. The cysteine at codon 526 is replaced by tyrosine, an amino acid with highly dissimilar properties. This amino acid position is highly conserved in available vertebrate species. In addition, this alteration is predicted to be deleterious by in silico analysis. Since supporting evidence is limited at this time, the clinical significance of this alteration remains unclear.